The following is an entry in ClinVar:

ClinVar aggregate classification (germline): Uncertain significance (1 of 4 stars; one submission).

Conditions:
T-cell immunodeficiency, congenital alopecia, and nail dystrophy. Also called: Congenital alopecia and nail dystrophy associated with severe functional T-cell immunodeficiency; Pignata Guarino syndrome. Identifiers: Orphanet 169095, MedGen C1866426, MONDO:0011132, OMIM 601705.

Submission:

Labcorp Genetics (formerly Invitae), Labcorp
Classification: Uncertain significance for T-cell immunodeficiency, congenital alopecia, and nail dystrophy. Last evaluated: 2022-01-08. Review status: criteria provided, single submitter. Criteria: Invitae Variant Classification Sherloc (09022015). Collection method: clinical testing. Allele origin: germline.
Comment: This sequence change replaces leucine, which is neutral and non-polar, with arginine, which is basic and polar, at codon 439 of the FOXN1 protein (p.Leu439Arg). This variant is not present in population databases (gnomAD no frequency). This variant has not been reported in the literature in individuals affected with FOXN1-related conditions. Algorithms developed to predict the effect of missense changes on protein structure and function are either unavailable or do not agree on the potential impact of this missense change (SIFT: "Deleterious"; PolyPhen-2: "Possibly Damaging"; Align-GVGD: "Class C0"). In summary, the available evidence is currently insufficient to determine the role of this variant in disease. Therefore, it has been classified as a Variant of Uncertain Significance.

NM_001369369.1(FOXN1):c.1316T>G (p.Leu439Arg)

Gene: FOXN1 (forkhead box N1; plus strand). Cytogenetic location: 17q11.2.
Variant type: single nucleotide variant.
Coding change: c.1316T>G on transcript NM_001369369.1 (MANE Select); coding-DNA position 1316, T replaced by G.
Protein change: p.Leu439Arg; replaces leucine 439 with arginine.
Molecular consequence: missense variant.
Genome position (GRCh38, 1-based): chr17:28,534,887, T>G. VCF-style: chr17-28534887-T-G. GRCh37 (hg19) VCF-style: chr17-26861905-T-G.
Other names: c.1316T>G, p.Leu439Arg (NM_003593.3); short protein forms L439R.
Identifiers: ClinVar variation 2139481 (VCV002139481.1), dbSNP rs2508429033, ClinGen allele CA398325946.
Genomic context (GRCh38, chr17:28,534,887, plus strand): 5'-TCTCCCCACCACTGCACTCACTCCACCCAGCTCCAGGCCCCATTCCTGGCAAGAACCCCC[T>G]GCAGGACCTACTTATGGGGCACACACCCTCCTGCTATGGGCAGACATACTTGCACCTCTC-3'
Protein context (NP_001356298.1, residues 429-449): APGPIPGKNP[Leu439Arg]QDLLMGHTPS